The following is an entry in ClinVar:

NM_015346.4(ZFYVE26):c.2243G>A (p.Arg748His)

Gene: ZFYVE26 (zinc finger FYVE-type containing 26; minus strand). Cytogenetic location: 14q24.1.
Variant type: single nucleotide variant.
Coding change: c.2243G>A on transcript NM_015346.4 (MANE Select); coding-DNA position 2243, G replaced by A.
Protein change: p.Arg748His; replaces arginine 748 with histidine.
Molecular consequence: missense variant.
Genome position (GRCh38, 1-based): chr14:67,798,019, C>T on the plus strand (G>A on the coding strand, the complement: ZFYVE26 is on the minus strand). VCF-style: chr14-67798019-C-T. GRCh37 (hg19) VCF-style: chr14-68264736-C-T.
Other names: c.2243G>A (NM_015346.3); short protein forms R748H.
Identifiers: ClinVar variation 2428008 (VCV002428008.4), dbSNP rs377247571, ClinGen allele CA7240378.

ClinVar aggregate classification (germline): Uncertain significance. Review status: criteria provided, multiple submitters, no conflicts (2 of 4 stars). 2 submissions from 2 submitters: Uncertain significance (2). Last evaluated 2024-08-07.

Conditions:
Spastic paraplegia. Identifiers: MedGen C0037772, HP:0001258.

Allele frequency attached by ClinVar (database versions not stated): gnomAD exomes 0.00001; ExAC 0.00002; TOPMed 0.00003; gnomAD 0.00004; ESP Exome Variant Server 0.00008.
gnomAD v4.1: 25 of 1,614,020 alleles (0.0015%); highest among the groups gnomAD compares: South Asian, 0.0055%; no homozygotes.

Submissions (2):

GeneDx
Classification: Uncertain significance. Last evaluated: 2024-08-07. Review status: criteria provided, single submitter. Criteria: GeneDx Variant Classification Process June 2021. Collection method: clinical testing. Allele origin: germline. Affected: yes.
Comment: Not observed at significant frequency in large population cohorts (gnomAD); In silico analysis indicates that this missense variant does not alter protein structure/function; Has not been previously published as pathogenic or benign to our knowledge

Labcorp Genetics (formerly Invitae), Labcorp
Classification: Uncertain significance for Spastic paraplegia. Last evaluated: 2021-12-27. Review status: criteria provided, single submitter. Criteria: Invitae Variant Classification Sherloc (09022015). Collection method: clinical testing. Allele origin: germline.
Comment: This sequence change replaces arginine, which is basic and polar, with histidine, which is basic and polar, at codon 748 of the ZFYVE26 protein (p.Arg748His). This variant is present in population databases (rs377247571, gnomAD 0.004%). This variant has not been reported in the literature in individuals affected with ZFYVE26-related conditions. Algorithms developed to predict the effect of missense changes on protein structure and function output the following: SIFT: "Tolerated"; PolyPhen-2: "Benign"; Align-GVGD: "Class C0". The histidine amino acid residue is found in multiple mammalian species, which suggests that this missense change does not adversely affect protein function. In summary, the available evidence is currently insufficient to determine the role of this variant in disease. Therefore, it has been classified as a Variant of Uncertain Significance.